The following is an entry in ClinVar:

NM_004360.5(CDH1):c.1936+2T>C

Gene: CDH1 (cadherin 1; plus strand). Cytogenetic location: 16q22.1.
Variant type: single nucleotide variant.
Coding change: c.1936+2T>C on transcript NM_004360.5 (MANE Select); the canonical splice donor site of the intron after coding-DNA position 1936, T replaced by C.
Molecular consequence: splice donor variant.
Genome position (GRCh38, 1-based): chr16:68,822,227, T>C. VCF-style: chr16-68822227-T-C. GRCh37 (hg19) VCF-style: chr16-68856130-T-C.
Other names: c.388+2T>C (NM_001317185.2); c.-30+2T>C (NM_001317186.2); c.1753+2T>C (NM_001317184.2).
Identifiers: ClinVar variation 1782960 (VCV001782960.2), dbSNP rs2152138633, ClinGen allele CA396467294.

ClinVar aggregate classification (germline): Likely pathogenic (1 of 4 stars; one submission).

Conditions:
Hereditary cancer-predisposing syndrome. Also called: Neoplastic Syndromes, Hereditary; Tumor predisposition; Hereditary Cancer Syndrome; Hereditary neoplastic syndrome. Identifiers: Orphanet 140162, MedGen C0027672, MeSH D009386, MONDO:0015356.

Submission:

Ambry Genetics
Classification: Likely pathogenic for Hereditary cancer-predisposing syndrome. Last evaluated: 2020-01-28. Review status: criteria provided, single submitter. Criteria: Ambry Variant Classification Scheme 2023. Collection method: clinical testing. Allele origin: germline.
Comment: The c.1936+2T>C intronic variant results from a T to C substitution two nucleotides after coding exon 12 in the CDH1 gene. This nucleotide position is highly conserved in available vertebrate species. Using the BDGP and ESEfinder splice site prediction tools, this alteration is predicted to abolish the native splice donor site; however, direct evidence is unavailable. Alterations that disrupt the canonical splice site are expected to cause aberrant splicing, resulting in an abnormal protein or a transcript that is subject to nonsense-mediated mRNA decay. As such, this alteration is classified as likely pathogenic.